The following continues an entry in ClinVar:

NM_007294.4(BRCA1):c.68_69del (p.Glu23fs)

Gene: BRCA1. ClinVar aggregate classification (germline): Pathogenic. Pathogenic (1).

Submissions 18 to 30 of 97:

Molecular Diagnostics Laboratory, Catalan Institute of Oncology
Classification: Pathogenic for Hereditary cancer-predisposing syndrome. Last evaluated: 2025-02-06. Review status: criteria provided, single submitter. Criteria: ClinGen BRCA1BRCA2 ACMG Specifications BRCA1 V1.0.0. Collection method: clinical testing. Allele origin: germline. Not counted in ClinVar's aggregate classification.
Comment: PVS1, PM5_PTC_Strong, PS3 c.68_69del, located in exon 2 of the BRCA1 gene, consists in the deletion of two nucleotides, causing a translational frameshift with a predicted alternate stop codon, p.(Glu23Valfs*17). This alteration is expected to result in loss of function by premature protein truncation and nonsense-mediated mRNA decay (PVS1, PM5_PTC_Strong). This variant is found in 52/236532 in the gnomAD v2.1.1 database, exome only non-cancer data set. The SpliceAI algorithm predicts no effect on splicing. Reported by one calibrated study to exhibit protein function similar to pathogenic control variants (PMID: 32546644) (PS3). In addition, it has been reported in ClinVar (75x as pathogenic), LOVD databases (254x as pathogenic, 1x pPAT, 3x not classified) and also classified as pathogenic reviewed by an expert panel (ENIGMA (22/04/2016):” Variant allele predicted to encode a truncated non-functional protein.,The c.68_69del variant in BRCA1 is a deletion of two nucleotides, predicted to encode a frameshift with consequent premature termination of the protein at codon 17 of the frameshift, or amino acid 39 (p.Glu23ValfsTer17). This variant is present in gnomAD v2.1 (exomes only, non-cancer subset) or gnomAD v3.1 (non-cancer subset) but is below the ENIGMA BRCA1/2 VCEP threshold >0.00002 for BS1_Supporting (PM2_Supporting, BS1, and BA1 are not met). Frameshift variant predicted to cause a premature stop codon in biologically-relevant-exon 3 leading to nonsense mediated decay (PVS1 met). The ENIGMA BRCA1/2 VCEP considered multiple lines of functional and clinical evidence to define exon-specific weights for PTC in BRCA1, and results indicate that strong evidence towards pathogenicity may be applied for a PTC variant in BRCA1 exon 3 (PM5_Strong (PTC)). Reported by one calibrated study to exhibit protein function similar to pathogenic control variants (PMID: 32546644) (PS3 met). In summary, this variant meets the criteria to be classified as a Pathogenic variant variant for BRCA1-related cancer predisposition based on the ACMG/AMP criteria applied as specified by the ENIGMA BRCA1/2 VCEP (PVS1, PM5_Strong (PTC), PS3).”)).Based on currently available information, the variant c.68_69del is classified as a pathogenic variant according to ClinGen-BRCA1 and BRCA2 Guidelines version 1.0.0.

Blueprint Genetics
Classification: Pathogenic for BRCA1-related disorders. Last evaluated: 2024-10-24. Review status: criteria provided, single submitter. Criteria: ACMG Guidelines, 2015. Collection method: clinical testing. Allele origin: germline. Affected: yes. Observed: 5 variant alleles. Not counted in ClinVar's aggregate classification.

Molecular Pathology, Peter Maccallum Cancer Centre
Classification: Pathogenic for Breast-ovarian cancer, familial, susceptibility to, 1. Last evaluated: 2024-09-18. Review status: criteria provided, single submitter. Criteria: ACMG Guidelines, 2015. Collection method: clinical testing. Allele origin: germline. Inheritance: Autosomal dominant inheritance. Not counted in ClinVar's aggregate classification.

All of Us Research Program, National Institutes of Health
Classification: Pathogenic for BRCA1-related cancer predisposition. Last evaluated: 2024-09-13. Review status: criteria provided, single submitter. Criteria: ACMG Guidelines, 2015. Collection method: clinical testing. Allele origin: germline. Inheritance: Autosomal dominant inheritance. Observed: 78 variant alleles, 78 heterozygotes. Not counted in ClinVar's aggregate classification.
Comment: This variant deletes 2 nucleotides in exon 2 of the BRCA1 gene, causing a frameshift and a premature translational stop signal. This variant is also known as 185delAG and 187delAG in the literature. This variant is expected to result in an absent or non-functional protein product. This variant is a well-known founder mutation in the Ashkenazi Jewish population and occurs at 0.96-1.14% minor allele frequency (PMID: 7550349, 8571953, 30152102). This variant has been reported in dozens of individuals and families affected with breast and ovarian cancer (PMID: 7894492, 7611277, 7837387, 8533757, 8531968, 8642955, 9042909, 9150153, 21643751, 30480775, 35020120). This variant also has been observed in individuals from diverse ethnicities in Africa, America, Asia and Europe (PMID: 8651293, 24312913). The risk of female breast cancer among carriers of this mutation is 55-83% by age 70, and the risk of ovarian cancer is 12-58% by age 70 (PMID: 9145676, 15994883, 22430266). A breast cancer case-control meta-analysis has detected this variant in 30/60436 cases and 8/53453 unaffected individuals with an odds ratio (OR) of 3.317 (95%CI 1.52 to 7.235) (PMID: 33471991; Leiden Open Variation Database DB-ID BRCA1_001114). This variant has been identified in 58/282442 chromosomes (42/10368 Ashkenazi Jewish chromosomes) in the general population by the Genome Aggregation Database (gnomAD). Loss of BRCA1 function is a known mechanism of disease. Based on the available evidence, this variant is classified as Pathogenic.

This study involves interpretation of variants in research participants for the purpose of population health screening. Participant phenotype was not available at the time of variant classification. Additional details can be found in publication PMID: 35346344, PMCID: PMC8962531

3billion
Classification: Pathogenic for Breast-ovarian cancer, familial, susceptibility to, 1. Last evaluated: 2024-08-01. Review status: criteria provided, single submitter. Criteria: ACMG Guidelines, 2015. Collection method: clinical testing. Allele origin: germline. Affected: yes. Not counted in ClinVar's aggregate classification.
Comment: The variant is observed at an allele frequency greater than expected for the associated disorder in the gnomAD v4.0.0 dataset and therefore considered benign. Predicted Consequence/Location: Frameshift: predicted to result in a loss or disruption of normal protein function through nonsense-mediated decay (NMD) or protein truncation. Multiple pathogenic variants are reported downstream of the variant. The variant has been reported multiple times as an established pathogenic variant (ClinVar ID: VCV000017662 /PMID: 7611277 /3billion dataset). Therefore, this variant is classified as Pathogenic according to the recommendation of ACMG/AMP guideline.

Department of Clinical Genetics, Copenhagen University Hospital, Rigshospitalet
Classification: Pathogenic for Breast-ovarian cancer, familial, susceptibility to, 1. Last evaluated: 2024-05-27. Review status: criteria provided, single submitter. Criteria: ACMG Guidelines, 2015. Collection method: clinical testing. Allele origin: germline. Affected: yes. Not counted in ClinVar's aggregate classification.
Comment: PVS1; PM5_PTC_Strong

Institute of Human Genetics, University of Leipzig Medical Center
Classification: Pathogenic for Familial cancer of breast. Last evaluated: 2024-04-02. Review status: criteria provided, single submitter. Criteria: ACMG Guidelines, 2015. Collection method: clinical testing. Allele origin: unknown. Inheritance: Autosomal dominant inheritance. Affected: yes. Not counted in ClinVar's aggregate classification.
Comment: Criteria applied: PVS1,PS3,PS4_MOD,PM5_STR

Institute for Genomic Medicine (IGM) Clinical Laboratory, Nationwide Children's Hospital
Classification: Pathogenic for Hereditary cancer-predisposing syndrome. Last evaluated: 2024-03-29. Review status: criteria provided, single submitter. Criteria: ACMG Guidelines, 2015. Collection method: clinical testing. Allele origin: germline. Not counted in ClinVar's aggregate classification.
Comment: This variant is predicted to result in loss of function through nonsense-mediated decay of the encoded transcript or premature truncation of the encoded protein in a gene in which loss of function is a known mechanism of disease (ACMG/AMP: PVS1). Well-established functional studies have demonstrated this variant to have a damaging effect on protein function or splicing (ACMG/AMP: PS3; PMID:32546644). This variant has been reported at an elevated frequency in affected individuals/in multiple affected individuals in the literature (ACMG/AMP: PS4).

Baylor Genetics
Classification: Pathogenic for Breast-ovarian cancer, familial, susceptibility to, 1. Last evaluated: 2024-03-27. Review status: criteria provided, single submitter. Criteria: ACMG Guidelines, 2015. Collection method: clinical testing. Allele origin: unknown. Not counted in ClinVar's aggregate classification.

Mayo Clinic Laboratories, Mayo Clinic
Classification: Pathogenic. Last evaluated: 2024-03-08. Review status: criteria provided, single submitter. Criteria: ACMG Guidelines, 2015. Collection method: clinical testing. Allele origin: germline. Observed: 14 variant alleles. Not counted in ClinVar's aggregate classification.

Fulgent Genetics
Classification: Pathogenic for Breast-ovarian cancer, familial, susceptibility to, 1; Pancreatic cancer, susceptibility to, 4; Fanconi anemia, complementation group S. Last evaluated: 2024-01-16. Review status: criteria provided, single submitter. Criteria: ACMG Guidelines, 2015. Collection method: clinical testing. Allele origin: germline. Not counted in ClinVar's aggregate classification.

Institute of Human Genetics, University of Leipzig Medical Center
Classification: Pathogenic for Breast-ovarian cancer, familial, susceptibility to, 1. Last evaluated: 2023-06-08. Review status: criteria provided, single submitter. Criteria: ACMG Guidelines, 2015. Collection method: clinical testing. Allele origin: unknown. Inheritance: Autosomal dominant inheritance. Affected: yes. Not counted in ClinVar's aggregate classification.
Comment: Criteria applied: PVS1,PS4

Genomic Medicine Lab, University of California San Francisco
Classification: Pathogenic for Breast-ovarian cancer, familial, susceptibility to, 1. Last evaluated: 2023-04-20. Review status: criteria provided, single submitter. Criteria: ACMG Guidelines, 2015. Collection method: clinical testing. Allele origin: maternal. Affected: no. Not counted in ClinVar's aggregate classification.